The following is an entry in ClinVar:

ClinVar aggregate classification (germline): Uncertain significance. Review status: criteria provided, multiple submitters, no conflicts (2 of 4 stars). 2 submissions from 2 submitters: Uncertain significance (2). Last evaluated 2024-12-27.

Allele frequency attached by ClinVar (database versions not stated): ExAC 0.00002; gnomAD 0.00002 and 0.00003; gnomAD exomes 0.00003 and 0.00004; TOPMed 0.00004; 1000 Genomes Project 30x 0.00016; 1000 Genomes Project 0.00020.
gnomAD v4.1: 59 of 1,604,946 alleles (0.0037%); highest among the groups gnomAD compares: Non-Finnish European, 0.0047%; no homozygotes.

Submissions (2):

Labcorp Genetics (formerly Invitae), Labcorp
Classification: Uncertain significance. Last evaluated: 2024-12-27. Review status: criteria provided, single submitter. Criteria: Invitae Variant Classification Sherloc (09022015). Collection method: clinical testing. Allele origin: germline.
Comment: This sequence change replaces methionine, which is neutral and non-polar, with isoleucine, which is neutral and non-polar, at codon 652 of the ERCC6L2 protein (p.Met652Ile). This variant is present in population databases (rs182252007, gnomAD 0.007%). This variant has not been reported in the literature in individuals affected with ERCC6L2-related conditions. ClinVar contains an entry for this variant (Variation ID: 1037551). Experimental studies and prediction algorithms are not available or were not evaluated, and the functional significance of this variant is currently unknown. In summary, the available evidence is currently insufficient to determine the role of this variant in disease. Therefore, it has been classified as a Variant of Uncertain Significance.

Blueprint Genetics
Classification: Uncertain significance. Last evaluated: 2024-06-28. Review status: criteria provided, single submitter. Criteria: ACMG Guidelines, 2015. Collection method: clinical testing. Allele origin: germline.

NM_020207.7(ERCC6L2):c.1923G>A (p.Met641Ile)

Gene: ERCC6L2 (ERCC excision repair 6 like 2; plus strand). Cytogenetic location: 9q22.32.
Variant type: single nucleotide variant.
Coding change: c.1923G>A on transcript NM_020207.7 (MANE Select); coding-DNA position 1923, G replaced by A.
Protein change: p.Met641Ile; replaces methionine 641 with isoleucine.
Molecular consequence: missense variant. On other transcripts: non-coding transcript variant (1).
Genome position (GRCh38, 1-based): chr9:95,955,989, G>A. VCF-style: chr9-95955989-G-A. GRCh37 (hg19) VCF-style: chr9-98718271-G-A.
Other names: c.1923G>A, p.Met641Ile (NM_001010895.4, NM_001375291.1, NM_001375292.1 and 2 more transcripts); short protein forms M641I.
Identifiers: ClinVar variation 1037551 (VCV001037551.8), dbSNP rs182252007, ClinGen allele CA5139747.